The following is an entry in ClinVar:

ClinVar aggregate classification (germline): Uncertain significance (1 of 4 stars; one submission).

Conditions:
Hereditary sensory neuropathy-deafness-dementia syndrome. Also called: Hereditary Sensory and Autonomic Neuropathy Type 1E (HSAN1E); Hereditary sensory neuropathy type IE; HSN IE; NEUROPATHY, HEREDITARY SENSORY, WITH HEARING LOSS AND DEMENTIA. Identifiers: Orphanet 456318, MedGen C3279885, MONDO:0013584, OMIM 614116.

Submission:

Labcorp Genetics (formerly Invitae), Labcorp
Classification: Uncertain significance for Hereditary sensory neuropathy-deafness-dementia syndrome. Last evaluated: 2021-10-04. Review status: criteria provided, single submitter. Criteria: Invitae Variant Classification Sherloc (09022015). Collection method: clinical testing. Allele origin: germline.
Comment: In summary, the available evidence is currently insufficient to determine the role of this variant in disease. Therefore, it has been classified as a Variant of Uncertain Significance. Algorithms developed to predict the effect of missense changes on protein structure and function are either unavailable or do not agree on the potential impact of this missense change (SIFT: "Deleterious"; PolyPhen-2: "Benign"; Align-GVGD: "Class C0"). This variant has not been reported in the literature in individuals affected with DNMT1-related conditions. This variant is not present in population databases (ExAC no frequency). This sequence change replaces proline with serine at codon 1408 of the DNMT1 protein (p.Pro1408Ser). The proline residue is highly conserved and there is a moderate physicochemical difference between proline and serine.

NM_001130823.3(DNMT1):c.4222C>T (p.Pro1408Ser)

Gene: DNMT1 (DNA methyltransferase 1; minus strand). Cytogenetic location: 19p13.2.
Variant type: single nucleotide variant.
Coding change: c.4222C>T on transcript NM_001130823.3 (MANE Select); coding-DNA position 4222, C replaced by T.
Protein change: p.Pro1408Ser; replaces proline 1408 with serine.
Molecular consequence: missense variant.
Genome position (GRCh38, 1-based): chr19:10,137,903, G>A on the plus strand (C>T on the coding strand, the complement: DNMT1 is on the minus strand). VCF-style: chr19-10137903-G-A. GRCh37 (hg19) VCF-style: chr19-10248579-G-A.
Other names: c.4174C>T, p.Pro1392Ser (NM_001318730.2, NM_001379.4); c.3859C>T, p.Pro1287Ser (NM_001318731.2); short protein forms P1392S, P1408S, P1287S.
Identifiers: ClinVar variation 1384160 (VCV001384160.6), dbSNP rs2145258368, ClinGen allele CA403970280.